The following is an entry in ClinVar:

ClinVar aggregate classification (germline): Uncertain significance. Review status: criteria provided, multiple submitters, no conflicts (2 of 4 stars). 3 submissions from 3 submitters: Uncertain significance (3). Last evaluated 2022-03-29.

Conditions:
Meckel-Gruber syndrome. Also called: Dysencephalia splachnocystica; DYSENCEPHALIA SPLANCHNOCYSTICA; GRUBER SYNDROME. Identifiers: Orphanet 564, MedGen C0265215, MONDO:0018921.
Joubert syndrome. Also called: Familial aplasia of the vermis; JOUBERT-BOLTSHAUSER SYNDROME. Identifiers: Orphanet 475, MedGen C5979921, MONDO:0018772.

gnomAD v4.1: 9 of 1,613,690 alleles (0.00056%); highest among the groups gnomAD compares: South Asian, 0.0011%; no homozygotes.

Submissions (3):

Labcorp Genetics (formerly Invitae), Labcorp
Classification: Uncertain significance for Joubert syndrome; Meckel-Gruber syndrome. Last evaluated: 2022-03-29. Review status: criteria provided, single submitter. Criteria: Invitae Variant Classification Sherloc (09022015). Collection method: clinical testing. Allele origin: germline.
Comment: This sequence change replaces tyrosine, which is neutral and polar, with asparagine, which is neutral and polar, at codon 574 of the CC2D2A protein (p.Tyr574Asn). This variant is present in population databases (rs768277071, gnomAD 0.002%). This variant has not been reported in the literature in individuals affected with CC2D2A-related conditions. ClinVar contains an entry for this variant (Variation ID: 421750). Advanced modeling of protein sequence and biophysical properties (such as structural, functional, and spatial information, amino acid conservation, physicochemical variation, residue mobility, and thermodynamic stability) performed at Invitae indicates that this missense variant is expected to disrupt CC2D2A protein function. In summary, the available evidence is currently insufficient to determine the role of this variant in disease. Therefore, it has been classified as a Variant of Uncertain Significance.

Blueprint Genetics
Classification: Uncertain significance. Last evaluated: 2021-10-19. Review status: criteria provided, single submitter. Criteria: ACMG Guidelines, 2015. Collection method: clinical testing. Allele origin: germline.

GeneDx
Classification: Uncertain significance. Last evaluated: 2016-07-26. Review status: criteria provided, single submitter. Criteria: GeneDx Variant Classification (06012015). Collection method: clinical testing. Allele origin: germline. Affected: yes.
Comment: The Y574N variant in the CC2D2A gene has not been reported previously as a pathogenic variant, nor as a benign variant, to our knowledge. The Y574N variant was not observed in approximately 6100 individuals of European and African American ancestry in the NHLBI Exome Sequencing Project, indicating it is not a common benign variant in these populations. The Y574N variant is a semi-conservative amino acid substitution, which may impact secondary protein structure as these residues differ in some properties. This substitution occurs at a position that is not conserved. In silico analysis predicts this variant is probably damaging to the protein structure/function. We interpret Y574N as a variant of uncertain significance.

NM_001378615.1(CC2D2A):c.1720T>A (p.Tyr574Asn)

Genes: CC2D2A (coiled-coil and C2 domain containing 2A; plus strand), FBXL5 (F-box and leucine rich repeat protein 5; minus strand). Cytogenetic location: 4p15.32.
Variant type: single nucleotide variant.
Coding change: c.1720T>A on transcript NM_001378615.1 (MANE Select); coding-DNA position 1720, T replaced by A.
Protein change: p.Tyr574Asn; replaces tyrosine 574 with asparagine.
Molecular consequence: missense variant.
Genome position (GRCh38, 1-based): chr4:15,537,032, T>A. VCF-style: chr4-15537032-T-A. GRCh37 (hg19) VCF-style: chr4-15538655-T-A.
Other names: c.1720T>A, p.Tyr574Asn (NM_001080522.2); c.1573T>A, p.Tyr525Asn (NM_001378617.1); short protein forms Y574N, Y525N.
Identifiers: ClinVar variation 421750 (VCV000421750.5), dbSNP rs768277071, ClinGen allele CA2863739.